The following is an entry in ClinVar:

NM_000545.8(HNF1A):c.1780A>G (p.Ser594Gly)

Genes: C12orf43 (chromosome 12 open reading frame 43; minus strand), HNF1A (HNF1 homeobox A; plus strand). Cytogenetic location: 12q24.31.
Variant type: single nucleotide variant.
Coding change: c.1780A>G on transcript NM_000545.8 (MANE Select); coding-DNA position 1780, A replaced by G.
Protein change: p.Ser594Gly; replaces serine 594 with glycine.
Molecular consequence: missense variant. On other transcripts: 3 prime UTR variant (3).
Genome position (GRCh38, 1-based): chr12:121,001,076, A>G. VCF-style: chr12-121001076-A-G. GRCh37 (hg19) VCF-style: chr12-121438879-A-G.
Other names: NM_022895.3:c.*3077T>C; c.*3077T>C (NM_001286191.2, NM_001286196.2, NM_022895.3); c.1801A>G, p.Ser601Gly (NM_001306179.2); c.1588A>G, p.Ser530Gly (NM_001406915.1); short protein forms S594G, S601G, S530G.
Identifiers: ClinVar variation 1700002 (VCV001700002.4), dbSNP rs751112023, ClinGen allele CA6832196.

ClinVar aggregate classification (germline): Benign. Review status: reviewed by expert panel (3 of 4 stars). 3 submissions from 3 submitters: Benign (1). 2 of the submissions do not count toward it. Last evaluated 2022-07-01.

Conditions:
Monogenic diabetes. Identifiers: Orphanet 183625, MedGen C3888631, MONDO:0015967.

Allele frequency attached by ClinVar (database versions not stated): gnomAD 0.00001; TOPMed 0.00003; gnomAD exomes 0.00006; ExAC 0.00007.
gnomAD v4.1: 18 of 1,613,444 alleles (0.0011%); highest among the groups gnomAD compares: Admixed American, 0.03%; no homozygotes.

Submissions (3):

ClinGen Monogenic Diabetes Variant Curation Expert Panel
Classification: Benign for Monogenic diabetes. Last evaluated: 2022-07-01. Review status: reviewed by expert panel. Criteria: ClinGen Diabetes ACMG Specifications v1 1. Collection method: curation. Allele origin: germline. Inheritance: Autosomal dominant inheritance.
Comment: The c.1780A>G variant in the HNF1 homeobox A gene, HNF1A, causes an amino acid change of serine to glycine at codon 594 (p.(Ser594Gly)) of NM_000545.8. This variant has a Popmax Filtering allele frequency in gnomAD v2.1.1 of 0.0002499, which is greater than the MDEP threshold for BA1 (greater than or equal to 0.0001) (BA1). Another missense variant, c.1781G>T, p.Ser594Ile, has been classified as pathogenic by the ClinGen MDEP but has a greater Grantham distance than p.Ser594Gly (PM5_Supporting). In summary, c.1780A>G meets the criteria to be classified as benign for monogenic diabetes. ACMG/AMP criteria applied, as specified by the ClinGen MDEP (specification version 1.1, approved 9/30/21): BA1, PM5_Supporting.

Labcorp Genetics (formerly Invitae), Labcorp
Classification: Uncertain significance. Last evaluated: 2024-08-28. Review status: criteria provided, single submitter. Criteria: Invitae Variant Classification Sherloc (09022015). Collection method: clinical testing. Allele origin: germline. Not counted in ClinVar's aggregate classification.
Comment: This sequence change replaces serine, which is neutral and polar, with glycine, which is neutral and non-polar, at codon 594 of the HNF1A protein (p.Ser594Gly). This variant is present in population databases (rs751112023, gnomAD 0.04%), and has an allele count higher than expected for a pathogenic variant. This variant has not been reported in the literature in individuals affected with HNF1A-related conditions. ClinVar contains an entry for this variant (Variation ID: 1700002). Invitae Evidence Modeling of protein sequence and biophysical properties (such as structural, functional, and spatial information, amino acid conservation, physicochemical variation, residue mobility, and thermodynamic stability) indicates that this missense variant is expected to disrupt HNF1A protein function with a positive predictive value of 95%. In summary, the available evidence is currently insufficient to determine the role of this variant in disease. Therefore, it has been classified as a Variant of Uncertain Significance.

ARUP Laboratories, Molecular Genetics and Genomics, ARUP Laboratories
Classification: Benign. Last evaluated: 2024-07-25. Review status: criteria provided, single submitter. Criteria: ARUP Molecular Germline Variant Investigation Process 2024. Collection method: clinical testing. Allele origin: germline. Not counted in ClinVar's aggregate classification.